The following is an entry in ClinVar:

NM_020408.5(LYRM4):c.-494T>G

Genes: FARS2 (phenylalanyl-tRNA synthetase 2, mitochondrial; plus strand), LYRM4 (LYR motif containing 4; minus strand). Cytogenetic location: 6p25.1.
Variant type: single nucleotide variant.
Coding change: c.-494T>G on transcript NM_020408.5; 494 bases upstream of the start codon, T replaced by G.
Molecular consequence: 5 prime UTR variant (on NM_001318872.2).
Genome position (GRCh38, 1-based): chr6:5,261,227, A>C on the plus strand (T>G on the coding strand, the complement: LYRM4 is on the minus strand). VCF-style: chr6-5261227-A-C. GRCh37 (hg19) VCF-style: chr6-5261460-A-C.
Other names: c.-153A>C (NM_001318872.2); c.-186A>C (NM_001374878.1).
Identifiers: ClinVar variation 680634 (VCV000680634.3), dbSNP rs9504368, ClinGen allele CA12222830.

ClinVar aggregate classification (germline): Benign (1 of 4 stars; one submission).

Allele frequency attached by ClinVar (database versions not stated): gnomAD exomes 0.23333; gnomAD 0.36963 and 0.35962; 1000 Genomes Project 30x 0.35572; 1000 Genomes Project 0.34944; TOPMed 0.38196.
gnomAD v4.1: 54,659 of 152,892 alleles (36%); highest among the groups gnomAD compares: African/African-American, 61%; 11,826 homozygotes.

Submission:

GeneDx
Classification: Benign. Last evaluated: 2018-06-14. Review status: criteria provided, single submitter. Criteria: GeneDx Variant Classification (06012015). Collection method: clinical testing. Allele origin: germline. Affected: yes.
Comment: This variant is considered likely benign or benign based on one or more of the following criteria: it is a conservative change, it occurs at a poorly conserved position in the protein, it is predicted to be benign by multiple in silico algorithms, and/or has population frequency not consistent with disease.